The following is an entry in ClinVar:

NM_001286577.2(C2CD3):c.6807G>T (p.Leu2269=)

Gene: C2CD3 (C2 domain containing 3 centriole elongation regulator; minus strand). Cytogenetic location: 11q13.4.
Variant type: single nucleotide variant.
Coding change: c.6807G>T on transcript NM_001286577.2 (MANE Select); coding-DNA position 6807, G replaced by T.
Protein change: p.Leu2269=; no amino-acid change (leucine 2269 retained).
Molecular consequence: synonymous variant.
Genome position (GRCh38, 1-based): chr11:74,033,353, C>A on the plus strand (G>T on the coding strand, the complement: C2CD3 is on the minus strand). VCF-style: chr11-74033353-C-A. GRCh37 (hg19) VCF-style: chr11-73744398-C-A.
Identifiers: ClinVar variation 1805478 (VCV001805478.3), dbSNP rs947208973, ClinGen allele CA224505403.

ClinVar aggregate classification (germline): Uncertain significance. Review status: criteria provided, multiple submitters, no conflicts (2 of 4 stars). 2 submissions from 2 submitters: Uncertain significance (2). Last evaluated 2024-03-09.

Conditions:
Orofaciodigital syndrome type 14. Also called: Orofaciodigital syndrome xiv. Identifiers: Orphanet 434179, MedGen C4706604, MONDO:0014413, OMIM 615948.

Allele frequency attached by ClinVar (database versions not stated): gnomAD exomes below 0.00001; gnomAD 0.00001; TOPMed 0.00001.
gnomAD v4.1: 2 of 1,535,482 alleles (0.00013%); highest among the groups gnomAD compares: Non-Finnish European, 0.00017%; no homozygotes.

Submissions (2):

Labcorp Genetics (formerly Invitae), Labcorp
Classification: Uncertain significance. Last evaluated: 2024-03-09. Review status: criteria provided, single submitter. Criteria: Invitae Variant Classification Sherloc (09022015). Collection method: clinical testing. Allele origin: germline.
Comment: The C2CD3 gene has multiple clinically relevant transcripts. This variant occurs in alternate transcript NM_001286577.1, and corresponds to NM_015531.5:c.*1245G>T in the primary transcript. This sequence change affects codon 2269 of the C2CD3 mRNA. It is a 'silent' change, meaning that it does not change the encoded amino acid sequence of the C2CD3 protein. This variant is present in population databases (no rsID available, gnomAD 0.004%). This variant has not been reported in the literature in individuals affected with C2CD3-related conditions. Experimental studies and prediction algorithms are not available or were not evaluated, and the effect of this variant on mRNA splicing is currently unknown. In summary, the available evidence is currently insufficient to determine the role of this variant in disease. Therefore, it has been classified as a Variant of Uncertain Significance.

Victorian Clinical Genetics Services, Murdoch Childrens Research Institute
Classification: Uncertain significance for Orofaciodigital syndrome type 14. Last evaluated: 2020-07-02. Review status: criteria provided, single submitter. Criteria: ACMG Guidelines, 2015. Collection method: clinical testing. Allele origin: germline. Inheritance: Autosomal recessive inheritance.
Comment: Based on the classification scheme VCGS_Germline_v1.1.1, this variant is classified as 3C-VUS. Following criteria are met: 0102 - Loss-of-function is a known mechanism of disease for this gene. (N) 0106 - This gene is known to be associated with autosomal recessive disease. (N) 0212 - Non-canonical splice variant without proven consequence on splicing (no functional evidence available). (P) 0251 - Variant is heterozygous. (N) 0304 - Variant is present in gnomAD v2 <0.01 for a recessive condition (2 Heterozygotes, 0 Homozygotes). (P) 0506 - Abnormal splicing is not predicted and nucleotide is poorly conserved. (B) 0705 - No comparable variants have previous evidence for pathogenicity. (N) 0807 - Variant has not previously been reported in a clinical context. (N) 0905 - No segregation evidence has been identified for this variant. (N) 1007 - No published functional evidence has been identified for this variant in the literature. (N) 1208 - Inheritance information for this variant is not currently available. (N) Legend: (P) - Pathogenic, (N) - Neutral, (B) - Benign